The following is an entry in ClinVar:

ClinVar aggregate classification (germline): Pathogenic/Likely pathogenic. Review status: criteria provided, multiple submitters, no conflicts (2 of 4 stars). 13 submissions from 13 submitters: Pathogenic (10); Likely pathogenic (1). 2 of the submissions do not count toward it. Last evaluated 2025-08-27.

Conditions:
Neurodevelopmental disorder with movement abnormalities, abnormal gait, and autistic features. Identifiers: MedGen C4693405, MONDO:0060642, OMIM 617865.
ZSWIM6 related intellectual disability.
Inborn genetic diseases. Identifiers: MedGen C0950123, MeSH D030342.
ZSWIM6-related disorder. Also called: ZSWIM6-related condition.

Submissions (13):

Ambry Genetics
Classification: Pathogenic for Inborn genetic diseases. Last evaluated: 2025-08-27. Review status: criteria provided, single submitter. Criteria: Ambry Variant Classification Scheme 2023. Collection method: clinical testing. Allele origin: germline.
Comment: The c.2737C>T (p.R913*) alteration, located in exon 13 (coding exon 13) of the ZSWIM6 gene, consists of a C to T substitution at nucleotide position 2737. This changes the amino acid from a arginine (R) to a stop codon at amino acid position 913. This alteration occurs at the 3' terminus of the ZSWIM6 gene and is not expected to trigger nonsense-mediated mRNA decay. for ZSWIM6-related neurodevelopmental disorder; however, its clinical significance for ZSWIM6-related acromelic frontonasal dysostosis is uncertain. This variant was not reported in population-based cohorts in the Genome Aggregation Database (gnomAD). This variant was determined to be de novo or the result of germline mosaicism in at least one individual with features consistent with ZSWIM6-related neurodevelopmental disorder (Palmer, 2017). Based on the available evidence, this alteration is classified as pathogenic.

ARUP Laboratories, Molecular Genetics and Genomics, ARUP Laboratories
Classification: Pathogenic. Last evaluated: 2023-12-05. Review status: criteria provided, single submitter. Criteria: ARUP Molecular Germline Variant Investigation Process 2024. Collection method: clinical testing. Allele origin: germline.
Comment: The ZWIM6 c.2737C>T; p.Arg913Ter variant (rs1554041295, ClinVar Variation ID: 431797), is a recurrent pathogenic variant reported in the literature in at least eight unrelated affected individuals and has been primarily observed to occur de novo (Palmer 2017, Yanagishita 2021). This variant is absent from the Genome Aggregation Database (v2.1.1), indicating it is not a common polymorphism. This variant induces an early termination codon in the penultimate exon of the ZSWIM6 gene. Transcriptional assays suggest this does not lead to nonsense mediated decay but is predicted to result in a truncated ZSWIM6 protein (Palmer 2017). Based on available information, this variant is considered to be pathogenic. References: Palmer EE et al. A Recurrent De Novo Nonsense Variant in ZSWIM6 Results in Severe Intellectual Disability without Frontonasal or Limb Malformations. Am J Hum Genet. 2017 Dec 7;101(6):995-1005. PMID: 29198722. Yanagishita T et al. A recurrent de novo ZSWIM6 variant in a Japanese patient with severe neurodevelopmental delay and frequent vomiting. Hum Genome Var. 2021 May 6;8(1):16. PMID: 33958584.

3billion
Classification: Pathogenic for Neurodevelopmental disorder with movement abnormalities, abnormal gait, and autistic features. Last evaluated: 2023-10-20. Review status: criteria provided, single submitter. Criteria: ACMG Guidelines, 2015. Collection method: clinical testing. Allele origin: germline. Affected: yes.
Comment: The variant is not observed in the gnomAD v2.1.1 dataset. Predicted Consequence/Location: Stop-gained (nonsense): predicted to result in a loss or disruption of normal protein function through protein truncation. The predicted truncated protein may be shortened by more than 10%. The variant has been previously reported as de novo in a similarly affected individual (PMID: 29198722). The variant has been reported at least twice as pathogenic with clinical assertions and evidence for the classification (ClinVar ID: VCV000431797 /PMID: 29198722). Therefore, this variant is classified as Pathogenic according to the recommendation of ACMG/AMP guideline.

PreventionGenetics, part of Exact Sciences
Classification: Pathogenic for ZSWIM6-related condition. Last evaluated: 2023-04-29. Review status: criteria provided, single submitter. Criteria: ACMG Guidelines, 2015. Collection method: clinical testing. Allele origin: germline.
Comment: The ZSWIM6 c.2737C>T variant is predicted to result in premature protein termination (p.Arg913*). This variant has been reported as a recurrent de novo variant in multiple patients with syndromic intellectual disability (see for example - Palmer et al. 2017. PubMed ID: 29198722). This variant has not been reported in a large population database, indicating this variant is rare. This variant is located in the penultimate exon and functional studies found it does not undergo nonsense mediated decay and may act in a dominant-negative manner (Palmer et al. 2017. PubMed ID: 29198722). This variant is interpreted as pathogenic.

GeneDx
Classification: Pathogenic. Last evaluated: 2023-01-31. Review status: criteria provided, single submitter. Criteria: GeneDx Variant Classification Process June 2021. Collection method: clinical testing. Allele origin: germline. Affected: yes.
Comment: Published functional studies demonstrate a dominant-negative effect on the protein (Palmer et al., 2017); Not observed in large population cohorts (gnomAD); Nonsense variant predicted to result in protein truncation as the last 303 amino acids are lost; This variant is associated with the following publications: (PMID: 29198722, 33958584, 34758253)

Clinical Genetics Laboratory, Skane University Hospital Lund
Classification: Pathogenic. Last evaluated: 2022-05-27. Review status: criteria provided, single submitter. Criteria: ACMG Guidelines, 2015. Collection method: clinical testing. Allele origin: germline. Affected: yes.

Blueprint Genetics
Classification: Pathogenic for ZSWIM6-related disorders. Last evaluated: 2022-04-27. Review status: criteria provided, single submitter. Criteria: ACMG Guidelines, 2015. Collection method: clinical testing. Allele origin: de novo. Affected: yes. Observed: 1 variant allele.

Labcorp Genetics (formerly Invitae), Labcorp
Classification: Pathogenic. Last evaluated: 2018-08-04. Review status: criteria provided, single submitter. Criteria: Invitae Variant Classification Sherloc (09022015). Collection method: clinical testing. Allele origin: germline.
Comment: Experimental studies have shown that this nonsense change does not trigger nonsense-mediated decay of the ZSWIM6 mRNA. This suggests a truncated ZSWIM6 protein lacking the Sin3-like domain exists, which may have a dominant-negative effect. (PMID: 29198722). For these reasons, this variant has been classified as Pathogenic. The current clinical and genetic evidence is not sufficient to establish whether loss-of-function variants in ZSWIM6 cause disease. This variant has been observed to be likely or confirmed de novo in multiple individuals affected with severe-profound intellectual disability/developmental delay and additional neurological features, but without frontonasal or limb malformations (PMID: 29198722, Invitae). ClinVar contains an entry for this variant (Variation ID: 431797). This variant is not present in population databases (ExAC no frequency). This sequence change creates a premature translational stop signal (p.Arg913*) in the ZSWIM6 gene. It is expected to result in an absent or disrupted protein product.

Sydney Children's Hospital, SCHN
Classification: Pathogenic for ZSWIM6 related intellectual disability. Last evaluated: 2017-08-11. Review status: criteria provided, single submitter. Criteria: Submitter's publication. Collection method: research. Allele origin: de novo. Inheritance: Autosomal dominant inheritance. Affected: yes. Observed: 7 variant alleles, 7 heterozygotes. Clinical features observed: Severe intellectual disability.
Comment: De novo. Recurrent in 7 individuals with overlapping neurocognitive phenotype. Gene expressed in brain and role in neurodevelopment and function.

Genomics England Pilot Project, Genomics England
Classification: Likely pathogenic for Neurodevelopmental disorder with movement abnormalities, abnormal gait, and autistic features. Review status: criteria provided, single submitter. Criteria: ACGS Guidelines, 2016. Collection method: clinical testing. Allele origin: germline. Affected: yes.

Institute of Human Genetics, Clinical Exome/Genome Diagnostics Group, University Hospital Bonn
Classification: Pathogenic for Neurodevelopmental disorder with movement abnormalities, abnormal gait, and autistic features. Review status: criteria provided, single submitter. Criteria: ACMG Guidelines, 2015. Collection method: clinical testing. Allele origin: germline. Affected: yes.

Pediatric Genetics Clinic, Sheba Medical Center
Classification: Pathogenic for Neurodevelopmental disorder with movement abnormalities, abnormal gait, and autistic features. Last evaluated: 2021-05-13. Review status: no assertion criteria provided. Collection method: clinical testing. Allele origin: de novo. Affected: yes. Observed: 1 heterozygote. Not counted in ClinVar's aggregate classification.

OMIM
Classification: Pathogenic for NEURODEVELOPMENTAL DISORDER WITH MOVEMENT ABNORMALITIES, ABNORMAL GAIT, AND AUTISTIC FEATURES. Last evaluated: 2018-02-09. Review status: no assertion criteria provided. Collection method: literature only. Allele origin: germline. Not counted in ClinVar's aggregate classification.

Literature cited by the submitters: PubMed 29198722 (cited by 4 submitters).

NM_020928.2(ZSWIM6):c.2737C>T (p.Arg913Ter)

Gene: ZSWIM6 (zinc finger SWIM-type containing 6; plus strand). Cytogenetic location: 5q12.1.
Variant type: single nucleotide variant.
Coding change: c.2737C>T on transcript NM_020928.2 (MANE Select); coding-DNA position 2737, C replaced by T.
Protein change: p.Arg913Ter; replaces arginine 913 with a stop codon.
Molecular consequence: nonsense.
Genome position (GRCh38, 1-based): chr5:61,541,917, C>T. VCF-style: chr5-61541917-C-T. GRCh37 (hg19) VCF-style: chr5-60837744-C-T.
Other names: short protein forms R913*.
Identifiers: ClinVar variation 431797 (VCV000431797.25), dbSNP rs1554041295, ClinGen allele CA359946038.
Genomic context (GRCh38, chr5:61,541,917, plus strand): 5'-AAACATTTTGTTACCCTGTTTTTATAGGTTATGCGAATGACACTGTCAACCTTAAATTGG[C>T]GACGGCGGGAGATGGTGAGGTGGCTGGTAACGTGTGCTACTGAAGTCGGTAGGTAAACTC-3'